The following is an entry in ClinVar:

NM_032040.5(CCDC8):c.331G>T (p.Glu111Ter)

Gene: CCDC8 (coiled-coil domain containing 8 subunit of 3M complex; minus strand). Cytogenetic location: 19q13.32.
Variant type: single nucleotide variant.
Coding change: c.331G>T on transcript NM_032040.5 (MANE Select); coding-DNA position 331, G replaced by T.
Protein change: p.Glu111Ter; replaces glutamic acid 111 with a stop codon.
Molecular consequence: nonsense.
Genome position (GRCh38, 1-based): chr19:46,412,480, C>A on the plus strand (G>T on the coding strand, the complement: CCDC8 is on the minus strand). VCF-style: chr19-46412480-C-A. GRCh37 (hg19) VCF-style: chr19-46915737-C-A.
Other names: short protein forms E111*.
Identifiers: ClinVar variation 2999465 (VCV002999465.3), dbSNP rs750782695, ClinGen allele CA309064431.

ClinVar aggregate classification (germline): Uncertain significance (1 of 4 stars; one submission).

Allele frequency attached by ClinVar (database versions not stated): gnomAD exomes 0.00001; TOPMed 0.00001.

Submission:

Labcorp Genetics (formerly Invitae), Labcorp
Classification: Uncertain significance. Last evaluated: 2023-06-05. Review status: criteria provided, single submitter. Criteria: Invitae Variant Classification Sherloc (09022015). Collection method: clinical testing. Allele origin: germline.
Comment: This variant is present in population databases (rs750782695, gnomAD 0.0009%). In summary, the available evidence is currently insufficient to determine the role of this variant in disease. Therefore, it has been classified as a Variant of Uncertain Significance. Experimental studies and prediction algorithms are not available or were not evaluated, and the functional significance of this variant is currently unknown. This variant has not been reported in the literature in individuals affected with CCDC8-related conditions. This sequence change creates a premature translational stop signal (p.Glu111*) in the CCDC8 gene. While this is not anticipated to result in nonsense mediated decay, it is expected to disrupt the last 428 amino acid(s) of the CCDC8 protein.